The following is an entry in ClinVar:

NC_000003.11:g.(?_9908818)_(10085568_?)del

Genes: CIDEC (cell death inducing DFFA like effector c; minus strand), CRELD1 (cysteine rich with EGF like domains 1; plus strand), EMC3 (ER membrane protein complex subunit 3; minus strand), FANCD2 (FA complementation group D2; plus strand), IL17RC (interleukin 17 receptor C; plus strand) and 3 more. Cytogenetic location: 3p25.3.
Variant type: Deletion.
Identifiers: ClinVar variation 2427431 (VCV002427431.2).

ClinVar aggregate classification (germline): Uncertain significance (1 of 4 stars; one submission).

Conditions:
Candidiasis, familial, 9 (CANDF9). Identifiers: Orphanet 1334, MedGen C4225324, MONDO:0014642, OMIM 616445.

Submission:

Labcorp Genetics (formerly Invitae), Labcorp
Classification: Uncertain significance for Candidiasis, familial, 9. Last evaluated: 2022-04-06. Review status: criteria provided, single submitter. Criteria: Invitae Variant Classification Sherloc (09022015). Collection method: clinical testing. Allele origin: germline.
Comment: A gross deletion of the genomic region encompassing the full coding sequence of the IL17RC gene has been identified. The current clinical and genetic evidence is not sufficient to establish whether loss-of-function variants in IL17RC cause disease. The boundaries of this event are unknown as they extend beyond the assayed region for this gene and therefore may encompass additional genes. This variant has not been reported in the literature in individuals affected with IL17RC-related conditions. Experimental studies and prediction algorithms are not available or were not evaluated, and the functional significance of this variant is currently unknown. In summary, the available evidence is currently insufficient to determine the role of this variant in disease. Therefore, it has been classified as a Variant of Uncertain Significance.